The following is an entry in ClinVar:

ClinVar aggregate classification (germline): Pathogenic (1 of 4 stars; one submission).

Allele frequency attached by ClinVar (database versions not stated): gnomAD exomes below 0.00001; ExAC 0.00001; gnomAD 0.00001; TOPMed 0.00002.

Submission:

Labcorp Genetics (formerly Invitae), Labcorp
Classification: Pathogenic. Last evaluated: 2024-02-01. Review status: criteria provided, single submitter. Criteria: Invitae Variant Classification Sherloc (09022015). Collection method: clinical testing. Allele origin: germline.
Comment: This sequence change creates a premature translational stop signal (p.Cys24*) in the SFRP4 gene. It is expected to result in an absent or disrupted protein product. Loss-of-function variants in SFRP4 are known to be pathogenic (PMID: 27355534). This variant is present in population databases (rs780735559, gnomAD 0.0009%). This variant has not been reported in the literature in individuals affected with SFRP4-related conditions. For these reasons, this variant has been classified as Pathogenic.

Literature cited by the submitters: PubMed 27355534.

NM_003014.4(SFRP4):c.72C>A (p.Cys24Ter)

Gene: SFRP4 (secreted frizzled related protein 4; minus strand). Cytogenetic location: 7p14.1.
Variant type: single nucleotide variant.
Coding change: c.72C>A on transcript NM_003014.4 (MANE Select); coding-DNA position 72, C replaced by A.
Protein change: p.Cys24Ter; replaces cysteine 24 with a stop codon.
Molecular consequence: nonsense.
Genome position (GRCh38, 1-based): chr7:37,916,466, G>T on the plus strand (C>A on the coding strand, the complement: SFRP4 is on the minus strand). VCF-style: chr7-37916466-G-T. GRCh37 (hg19) VCF-style: chr7-37956068-G-T.
Other names: short protein forms C24*.
Identifiers: ClinVar variation 2970935 (VCV002970935.3), dbSNP rs780735559, ClinGen allele CA4222959.